The following is an entry in ClinVar:

NM_058216.3(RAD51C):c.811A>G (p.Ser271Gly)

Gene: RAD51C (RAD51 paralog C; plus strand). Cytogenetic location: 17q22.
Variant type: single nucleotide variant.
Coding change: c.811A>G on transcript NM_058216.3 (MANE Select); coding-DNA position 811, A replaced by G.
Protein change: p.Ser271Gly; replaces serine 271 with glycine.
Molecular consequence: missense variant. On other transcripts: non-coding transcript variant (1).
Genome position (GRCh38, 1-based): chr17:58,709,964, A>G. VCF-style: chr17-58709964-A-G. GRCh37 (hg19) VCF-style: chr17-56787325-A-G.
Other names: short protein forms S271G.
Identifiers: ClinVar variation 478613 (VCV000478613.13), dbSNP rs1555599256, ClinGen allele CA400354269.

ClinVar aggregate classification (germline): Conflicting classifications of pathogenicity. Review status: criteria provided, conflicting classifications (1 of 4 stars). 2 submissions from 2 submitters: Uncertain significance (1); Benign (1). Last evaluated 2025-10-28.

Conditions:
Hereditary cancer-predisposing syndrome. Also called: Tumor predisposition; Neoplastic Syndromes, Hereditary; Hereditary Cancer Syndrome; Hereditary neoplastic syndrome. Identifiers: Orphanet 140162, MedGen C0027672, MeSH D009386, MONDO:0015356.
Fanconi anemia complementation group O. Also called: RAD51C-Related Fanconi Anemia. Identifiers: Orphanet 84, MedGen C3150653, MONDO:0013248, OMIM 613390.

Allele frequency attached by ClinVar (database versions not stated): TOPMed below 0.00001.

Submissions (2):

Ambry Genetics
Classification: Benign for Hereditary cancer-predisposing syndrome. Last evaluated: 2025-10-28. Review status: criteria provided, single submitter. Criteria: Ambry Variant Classification Scheme 2023. Collection method: clinical testing. Allele origin: germline.

Labcorp Genetics (formerly Invitae), Labcorp
Classification: Uncertain significance for Fanconi anemia complementation group O. Last evaluated: 2017-01-09. Review status: criteria provided, single submitter. Criteria: Invitae Variant Classification Sherloc (09022015). Collection method: clinical testing. Allele origin: germline.
Comment: This sequence change replaces serine with glycine at codon 271 of the RAD51C protein (p.Ser271Gly). The serine residue is moderately conserved and there is a small physicochemical difference between serine and glycine. This variant is not present in population databases (ExAC no frequency) and has not been reported in the literature in individuals with a RAD51C-related disease. Algorithms developed to predict the effect of missense changes on protein structure and function (SIFT, PolyPhen-2, Align-GVGD) all suggest that this variant is likely to be tolerated, but these predictions have not been confirmed by published functional studies. In summary, this variant is a novel missense change that is not predicted to affect protein function. There is no indication that it causes disease, but the available evidence is currently insufficient to prove that conclusively. Therefore, it has been classified as a Variant of Uncertain Significance.